The following is an entry in ClinVar:

ClinVar aggregate classification (germline): Uncertain significance (1 of 4 stars; one submission).

Submission:

Labcorp Genetics (formerly Invitae), Labcorp
Classification: Uncertain significance. Last evaluated: 2023-01-03. Review status: criteria provided, single submitter. Criteria: Invitae Variant Classification Sherloc (09022015). Collection method: clinical testing. Allele origin: germline.
Comment: In summary, the available evidence is currently insufficient to determine the role of this variant in disease. Therefore, it has been classified as a Variant of Uncertain Significance. Algorithms developed to predict the effect of sequence changes on RNA splicing suggest that this variant may disrupt the consensus splice site. This variant has not been reported in the literature in individuals affected with RP1-related conditions. This variant is not present in population databases (gnomAD no frequency). This sequence change affects codon 190 of the RP1 mRNA. It is a 'silent' change, meaning that it does not change the encoded amino acid sequence of the RP1 protein.

NM_006269.2(RP1):c.570C>A (p.Val190=)

Gene: RP1 (RP1 axonemal microtubule associated; plus strand). Cytogenetic location: 8q12.1.
Variant type: single nucleotide variant.
Coding change: c.570C>A on transcript NM_006269.2 (MANE Select); coding-DNA position 570, C replaced by A.
Protein change: p.Val190=; no amino-acid change (valine 190 retained).
Molecular consequence: synonymous variant.
Genome position (GRCh38, 1-based): chr8:54,621,536, C>A. VCF-style: chr8-54621536-C-A. GRCh37 (hg19) VCF-style: chr8-55534096-C-A.
Other names: c.570C>A, p.Val190= (NM_001375654.1).
Identifiers: ClinVar variation 3007693 (VCV003007693.3), dbSNP rs2536558039, ClinGen allele CA461098174.
Genomic context (GRCh38, chr8:54,621,536, plus strand): 5'-TCTTCTGAGCAGGAGGGTCACCCAGAGCTTCGAGGCATTTCTACAGCACCTGACAGAGGT[C>A]ATGCAGCGCCCTGTGGTCAAGCTGTACGCTACGGACGGAAGGAGGGTGAGCGTTCTGGGG-3'
Protein context (NP_006260.1, residues 180-200): FEAFLQHLTE[Val190=]MQRPVVKLYA